The following is an entry in ClinVar:

ClinVar aggregate classification (germline): Likely benign. Review status: criteria provided, single submitter (1 of 4 stars). 2 submissions from 2 submitters: Likely benign (1). 1 of the submissions does not count toward it. Last evaluated 2025-10-01.

Conditions:
TRAF7-related disorder. Also called: TRAF7-related condition.

Allele frequency attached by ClinVar (database versions not stated): 1000 Genomes Project 0.00040; 1000 Genomes Project 30x 0.00047; gnomAD exomes 0.00086; ESP Exome Variant Server 0.00092; ExAC 0.00108; gnomAD 0.00115; TOPMed 0.00165.
gnomAD v4.1: 1,502 of 1,613,776 alleles (0.093%); highest among the groups gnomAD compares: Middle Eastern, 0.25%; 6 homozygotes.

Submissions (2):

CeGaT Center for Human Genetics Tuebingen
Classification: Likely benign. Last evaluated: 2025-10-01. Review status: criteria provided, single submitter. Criteria: CeGaT Center For Human Genetics Tuebingen Variant Classification Criteria Version 2. Collection method: clinical testing. Allele origin: germline. Affected: yes. Observed: 4 variant alleles.
Comment: TRAF7: BP4, BP7

PreventionGenetics, part of Exact Sciences
Classification: Benign for TRAF7-related condition. Last evaluated: 2023-12-21. Review status: no assertion criteria provided. Collection method: clinical testing. Allele origin: germline. Not counted in ClinVar's aggregate classification.
Comment: This variant is classified as benign based on ACMG/AMP sequence variant interpretation guidelines (Richards et al. 2015 PMID: 25741868, with internal and published modifications).

NM_032271.3(TRAF7):c.1209C>T (p.Cys403=)

Gene: TRAF7 (TNF receptor associated factor 7; plus strand). Cytogenetic location: 16p13.3.
Variant type: single nucleotide variant.
Coding change: c.1209C>T on transcript NM_032271.3 (MANE Select); coding-DNA position 1209, C replaced by T.
Protein change: p.Cys403=; no amino-acid change (cysteine 403 retained).
Molecular consequence: synonymous variant.
Genome position (GRCh38, 1-based): chr16:2,173,994, C>T. VCF-style: chr16-2173994-C-T. GRCh37 (hg19) VCF-style: chr16-2223995-C-T.
Other names: c.1209C>T (NM_032271.2).
Identifiers: ClinVar variation 2646048 (VCV002646048.25), dbSNP rs138647853, ClinGen allele CA7834903.